The following is an entry in ClinVar:

ClinVar aggregate classification (germline): Conflicting classifications of pathogenicity. Review status: criteria provided, conflicting classifications (1 of 4 stars). 4 submissions from 4 submitters: Likely pathogenic (1); Uncertain significance (2); Likely benign (1). Last evaluated 2026-01-13.

Conditions:
Ovarian cancer. Also called: OVARIAN CANCER, SOMATIC. Identifiers: Orphanet 213500, MedGen C1140680, MONDO:0008170, OMIM 167000.
Multiple endocrine neoplasia type 4. Also called: MULTIPLE ENDOCRINE NEOPLASIA, TYPE IV. Identifiers: Orphanet 276152, MedGen C1970712, MONDO:0012552, OMIM 610755.
Hereditary cancer-predisposing syndrome. Also called: Hereditary neoplastic syndrome; Neoplastic Syndromes, Hereditary; Hereditary Cancer Syndrome; Tumor predisposition. Identifiers: Orphanet 140162, MedGen C0027672, MeSH D009386, MONDO:0015356.

Allele frequency attached by ClinVar (database versions not stated): gnomAD exomes 0.00002; ExAC 0.00003; TOPMed 0.00003; 1000 Genomes Project 0.00020; 1000 Genomes Project 30x 0.00062.
gnomAD v4.1: 27 of 1,606,464 alleles (0.0017%); highest among the groups gnomAD compares: East Asian, 0.058%; no homozygotes.

Submissions (4):

Labcorp Genetics (formerly Invitae), Labcorp
Classification: Uncertain significance for Multiple endocrine neoplasia type 4. Last evaluated: 2026-01-13. Review status: criteria provided, single submitter. Criteria: Invitae Variant Classification Sherloc (09022015). Collection method: clinical testing. Allele origin: germline.
Comment: This sequence change replaces cysteine, which is neutral and slightly polar, with phenylalanine, which is neutral and non-polar, at codon 148 of the CDKN1B protein (p.Cys148Phe). This variant is present in population databases (rs200476090, gnomAD 0.02%). This variant has not been reported in the literature in individuals affected with CDKN1B-related conditions. ClinVar contains an entry for this variant (Variation ID: 571877). An algorithm developed to predict the effect of missense changes on protein structure and function (PolyPhen-2) suggests that this variant is likely to be disruptive. In summary, the available evidence is currently insufficient to determine the role of this variant in disease. Therefore, it has been classified as a Variant of Uncertain Significance.

Baylor Genetics
Classification: Uncertain significance for Multiple endocrine neoplasia type 4. Last evaluated: 2024-03-08. Review status: criteria provided, single submitter. Criteria: ACMG Guidelines, 2015. Collection method: clinical testing. Allele origin: unknown.

Ambry Genetics
Classification: Likely benign for Hereditary cancer-predisposing syndrome. Last evaluated: 2022-12-02. Review status: criteria provided, single submitter. Criteria: Ambry Variant Classification Scheme 2023. Collection method: clinical testing. Allele origin: germline.

Laboratory of Molecular Epidemiology of Birth Defects, West China Second University Hospital, Sichuan University
Classification: Likely pathogenic for Ovarian cancer. Last evaluated: 2022-01-01. Review status: criteria provided, single submitter. Criteria: ACMG Guidelines, 2015. Collection method: clinical testing. Allele origin: germline. Affected: yes.

NM_004064.5(CDKN1B):c.443G>T (p.Cys148Phe)

Gene: CDKN1B (cyclin dependent kinase inhibitor 1B; plus strand). Cytogenetic location: 12p13.1.
Variant type: single nucleotide variant.
Coding change: c.443G>T on transcript NM_004064.5 (MANE Select); coding-DNA position 443, G replaced by T.
Protein change: p.Cys148Phe; replaces cysteine 148 with phenylalanine.
Molecular consequence: missense variant.
Genome position (GRCh38, 1-based): chr12:12,718,282, G>T. VCF-style: chr12-12718282-G-T. GRCh37 (hg19) VCF-style: chr12-12871216-G-T.
Other names: short protein forms C148F.
Identifiers: ClinVar variation 571877 (VCV000571877.14), dbSNP rs200476090, ClinGen allele CA6457498.